The following is an entry in ClinVar:

NM_018834.6(MATR3):c.1003A>G (p.Thr335Ala)

Gene: MATR3 (matrin 3; plus strand). Cytogenetic location: 5q31.2.
Variant type: single nucleotide variant.
Coding change: c.1003A>G on transcript NM_018834.6 (MANE Select); coding-DNA position 1003, A replaced by G.
Protein change: p.Thr335Ala; replaces threonine 335 with alanine.
Molecular consequence: missense variant. On other transcripts: 5 prime UTR variant (8).
Genome position (GRCh38, 1-based): chr5:139,315,725, A>G. VCF-style: chr5-139315725-A-G. GRCh37 (hg19) VCF-style: chr5-138651414-A-G.
Other names: c.1003A>G, p.Thr335Ala (NM_001194954.2, NM_001194955.2, NM_001400441.1 and 16 more transcripts); c.139A>G, p.Thr47Ala (NM_001194956.2); c.-12A>G (NM_001282278.2, NM_001400460.1, NM_001400462.1 and 5 more transcripts); c.142A>G, p.Thr48Ala (NM_001400459.1); c.103A>G, p.Thr35Ala (NM_001400461.1); short protein forms T35A, T47A, T335A, T48A.
Identifiers: ClinVar variation 2909455 (VCV002909455.3), dbSNP rs941271929, ClinGen allele CA128231942.

ClinVar aggregate classification (germline): Uncertain significance (1 of 4 stars; one submission).

Conditions:
Amyotrophic lateral sclerosis type 21. Also called: VOCAL CORD AND PHARYNGEAL DYSFUNCTION WITH DISTAL MYOPATHY; MYOPATHY, DISTAL, 2. Identifiers: Orphanet 600, Orphanet 803, MedGen C3807521, MONDO:0011632, OMIM 606070.

Allele frequency attached by ClinVar (database versions not stated): TOPMed 0.00001.

Submission:

Labcorp Genetics (formerly Invitae), Labcorp
Classification: Uncertain significance for Amyotrophic lateral sclerosis type 21. Last evaluated: 2023-04-06. Review status: criteria provided, single submitter. Criteria: Invitae Variant Classification Sherloc (09022015). Collection method: clinical testing. Allele origin: germline.
Comment: This sequence change replaces threonine, which is neutral and polar, with alanine, which is neutral and non-polar, at codon 335 of the MATR3 protein (p.Thr335Ala). This variant is present in population databases (no rsID available, gnomAD 0.01%). This variant has not been reported in the literature in individuals affected with MATR3-related conditions. Advanced modeling of protein sequence and biophysical properties (such as structural, functional, and spatial information, amino acid conservation, physicochemical variation, residue mobility, and thermodynamic stability) performed at Invitae indicates that this missense variant is not expected to disrupt MATR3 protein function. In summary, the available evidence is currently insufficient to determine the role of this variant in disease. Therefore, it has been classified as a Variant of Uncertain Significance.